The following is an entry in ClinVar:

ClinVar aggregate classification (germline): Benign (1 of 4 stars; one submission).

Allele frequency attached by ClinVar (database versions not stated): gnomAD 0.27681 and 0.27921; TOPMed 0.30851; 1000 Genomes Project 0.37839; 1000 Genomes Project 30x 0.38242.
gnomAD v4.1: 42,407 of 152,140 alleles (28%); highest among the groups gnomAD compares: East Asian, 66%; 7,226 homozygotes.

Submission:

GeneDx
Classification: Benign. Last evaluated: 2019-01-18. Review status: criteria provided, single submitter. Criteria: GeneDx Variant Classification Process June 2021. Collection method: clinical testing. Allele origin: germline. Affected: yes.
Comment: This variant is associated with the following publications: (PMID: 30182384)

NM_006868.4(RAB31):c.40-32225T>G

Gene: RAB31 (RAB31, member RAS oncogene family; plus strand). Cytogenetic location: 18p11.22.
Variant type: single nucleotide variant.
Coding change: c.40-32225T>G on transcript NM_006868.4 (MANE Select); 32225 bases into the intron before coding-DNA position 40, T replaced by G.
Molecular consequence: intron variant.
Genome position (GRCh38, 1-based): chr18:9,743,053, T>G. VCF-style: chr18-9743053-T-G. GRCh37 (hg19) VCF-style: chr18-9743050-T-G.
Identifiers: ClinVar variation 1255287 (VCV001255287.2), dbSNP rs6506689, ClinGen allele CA14556685.
Genomic context (GRCh38, chr18:9,743,053, plus strand): 5'-ACATGTTGATGTTCTCGGACTGTAGCAAACATGGTTTGGACTTGTCCATTTAGAAAGCAG[T>G]GTAAACAGGCTCTGAAATGCCATTGTACCAAGGGAAATGAGGACATGCGGCAAAGCTTTA-3'